The following is an entry in ClinVar:

ClinVar aggregate classification (germline): Uncertain significance (1 of 4 stars; one submission).

Conditions:
Fanconi anemia (FA). Also called: Fanconi's anemia. Identifiers: Orphanet 84, MedGen C0015625, MeSH D005199, MONDO:0019391.

gnomAD v4.1: 4 of 1,611,058 alleles (0.00025%); highest among the groups gnomAD compares: East Asian, 0.0022%; no homozygotes.

Submission:

Labcorp Genetics (formerly Invitae), Labcorp
Classification: Uncertain significance for Fanconi anemia. Last evaluated: 2021-09-02. Review status: criteria provided, single submitter. Criteria: Invitae Variant Classification Sherloc (09022015). Collection method: clinical testing. Allele origin: germline.
Comment: This sequence change replaces serine with asparagine at codon 64 of the FANCL protein (p.Ser64Asn). The serine residue is weakly conserved and there is a small physicochemical difference between serine and asparagine. This variant is not present in population databases (ExAC no frequency). This variant has not been reported in the literature in individuals affected with FANCL-related conditions. Algorithms developed to predict the effect of missense changes on protein structure and function output the following: SIFT: "Tolerated"; PolyPhen-2: "Benign"; Align-GVGD: "Class C0". The asparagine amino acid residue is found in multiple mammalian species, which suggests that this missense change does not adversely affect protein function. In summary, the available evidence is currently insufficient to determine the role of this variant in disease. Therefore, it has been classified as a Variant of Uncertain Significance.

NM_018062.4(FANCL):c.191G>A (p.Ser64Asn)

Gene: FANCL (FA complementation group L; minus strand). Cytogenetic location: 2p16.1.
Variant type: single nucleotide variant.
Coding change: c.191G>A on transcript NM_018062.4 (MANE Select); coding-DNA position 191, G replaced by A.
Protein change: p.Ser64Asn; replaces serine 64 with asparagine.
Molecular consequence: missense variant.
Genome position (GRCh38, 1-based): chr2:58,229,839, C>T on the plus strand (G>A on the coding strand, the complement: FANCL is on the minus strand). VCF-style: chr2-58229839-C-T. GRCh37 (hg19) VCF-style: chr2-58456974-C-T.
Other names: c.191G>A, p.Ser64Asn (NM_001114636.2, NM_001374615.1, NM_001410792.1); short protein forms S64N.
Identifiers: ClinVar variation 1488627 (VCV001488627.5), dbSNP rs1693400339, ClinGen allele CA347034800.